The following is an entry in ClinVar:

NM_000384.3(APOB):c.10163C>T (p.Thr3388Ile)

Gene: APOB (apolipoprotein B; minus strand). Cytogenetic location: 2p24.1.
Variant type: single nucleotide variant.
Coding change: c.10163C>T on transcript NM_000384.3 (MANE Select); coding-DNA position 10163, C replaced by T.
Protein change: p.Thr3388Ile; replaces threonine 3388 with isoleucine.
Molecular consequence: missense variant.
Genome position (GRCh38, 1-based): chr2:21,006,705, G>A on the plus strand (C>T on the coding strand, the complement: APOB is on the minus strand). VCF-style: chr2-21006705-G-A. GRCh37 (hg19) VCF-style: chr2-21229577-G-A.
Other names: short protein forms T3388I.
Identifiers: ClinVar variation 523719 (VCV000523719.1), dbSNP rs1553383038, ClinGen allele CA345987257.
Genomic context (GRCh38, chr2:21,006,705, plus strand): 5'-CCCTCCACAAATTTGTTGCTCAGAGACAGAGCTGTGGCTAACTTCAATCCCCTTTTTCTT[G>A]TCAATCTTGTGGTGCCCTCTAATTTGTACTGCAGTGCATCAATGACAGATGAAGATGAAG-3'
Protein context (NP_000375.3, residues 3378-3398): QYKLEGTTRL[Thr3388Ile]RKRGLKLATA

ClinVar aggregate classification (germline): Uncertain significance (1 of 4 stars; one submission).

Conditions:
Hypercholesterolemia, familial, 1. Also called: LDL RECEPTOR DISORDER; Hyperlipoproteinemia Type IIa; HYPER-LOW-DENSITY-LIPOPROTEINEMIA; HYPERCHOLESTEROLEMIC XANTHOMATOSIS, FAMILIAL; Fredrickson type IIa hyperlipoproteinemia; Hyperlipoproteinemia type 2. Identifiers: Orphanet 391665, MedGen C0745103, MONDO:0007750, OMIM 143890.

Submission:

Iberoamerican FH Network
Classification: Uncertain significance for Familial hypercholesterolemia. Last evaluated: 2016-03-01. Review status: criteria provided, single submitter. Criteria: ACMG Guidelines, 2015. Collection method: research. Allele origin: germline.
Comment: Variant present in the database from Argentina